The following is an entry in ClinVar:

NM_000255.4(MMUT):c.2167G>A (p.Gly723Ser)

Gene: MMUT (methylmalonyl-CoA mutase; minus strand). Cytogenetic location: 6p12.3.
Variant type: single nucleotide variant.
Coding change: c.2167G>A on transcript NM_000255.4 (MANE Select); coding-DNA position 2167, G replaced by A.
Protein change: p.Gly723Ser; replaces glycine 723 with serine.
Molecular consequence: missense variant.
Genome position (GRCh38, 1-based): chr6:49,431,814, C>T on the plus strand (G>A on the coding strand, the complement: MMUT is on the minus strand). VCF-style: chr6-49431814-C-T. GRCh37 (hg19) VCF-style: chr6-49399527-C-T.
Other names: short protein forms G723S.
Identifiers: ClinVar variation 2781233 (VCV002781233.3), dbSNP rs2481294162, ClinGen allele CA364583001.

ClinVar aggregate classification (germline): Likely pathogenic (1 of 4 stars; one submission).

gnomAD v4.1: 1 of 1,613,802 alleles (0.000062%); highest among the groups gnomAD compares: Non-Finnish European, 0.000085%; no homozygotes.

Submission:

Labcorp Genetics (formerly Invitae), Labcorp
Classification: Likely pathogenic. Last evaluated: 2023-08-29. Review status: criteria provided, single submitter. Criteria: Invitae Variant Classification Sherloc (09022015). Collection method: clinical testing. Allele origin: germline.
Comment: In summary, the currently available evidence indicates that the variant is pathogenic, but additional data are needed to prove that conclusively. Therefore, this variant has been classified as Likely Pathogenic. This variant disrupts the p.Gly723 amino acid residue in MUT. Other variant(s) that disrupt this residue have been determined to be pathogenic (PMID: 26454439, 28101778, 31466887). This suggests that this residue is clinically significant, and that variants that disrupt this residue are likely to be disease-causing. Advanced modeling of protein sequence and biophysical properties (such as structural, functional, and spatial information, amino acid conservation, physicochemical variation, residue mobility, and thermodynamic stability) performed at Invitae indicates that this missense variant is expected to disrupt MUT protein function. This variant has not been reported in the literature in individuals affected with MUT-related conditions. This variant is not present in population databases (gnomAD no frequency). This sequence change replaces glycine, which is neutral and non-polar, with serine, which is neutral and polar, at codon 723 of the MUT protein (p.Gly723Ser).

Literature cited by the submitters: PubMed 26454439; PubMed 28101778; PubMed 31466887.